The following is an entry in ClinVar:

NM_006947.4(SRP72):c.926A>C (p.Asn309Thr)

Gene: SRP72 (signal recognition particle 72; plus strand). Cytogenetic location: 4q12.
Variant type: single nucleotide variant.
Coding change: c.926A>C on transcript NM_006947.4 (MANE Select); coding-DNA position 926, A replaced by C.
Protein change: p.Asn309Thr; replaces asparagine 309 with threonine.
Molecular consequence: missense variant. On other transcripts: non-coding transcript variant (1).
Genome position (GRCh38, 1-based): chr4:56,483,239, A>C. VCF-style: chr4-56483239-A-C. GRCh37 (hg19) VCF-style: chr4-57349405-A-C.
Other names: c.743A>C, p.Asn248Thr (NM_001267722.2); short protein forms N248T, N309T.
Identifiers: ClinVar variation 2129766 (VCV002129766.4), dbSNP rs1720570337, ClinGen allele CA356999415.

ClinVar aggregate classification (germline): Uncertain significance (1 of 4 stars; one submission).

Submission:

Labcorp Genetics (formerly Invitae), Labcorp
Classification: Uncertain significance. Last evaluated: 2022-04-23. Review status: criteria provided, single submitter. Criteria: Invitae Variant Classification Sherloc (09022015). Collection method: clinical testing. Allele origin: germline.
Comment: In summary, the available evidence is currently insufficient to determine the role of this variant in disease. Therefore, it has been classified as a Variant of Uncertain Significance. Algorithms developed to predict the effect of missense changes on protein structure and function (SIFT, PolyPhen-2, Align-GVGD) all suggest that this variant is likely to be disruptive. This variant has not been reported in the literature in individuals affected with SRP72-related conditions. This variant is not present in population databases (gnomAD no frequency). This sequence change replaces asparagine, which is neutral and polar, with threonine, which is neutral and polar, at codon 309 of the SRP72 protein (p.Asn309Thr).